The following is an entry in ClinVar:

ClinVar aggregate classification (germline): Uncertain significance (1 of 4 stars; one submission).

Conditions:
Hereditary nonpolyposis colorectal neoplasms. Identifiers: MedGen C0009405, MeSH D003123.

Submission:

Labcorp Genetics (formerly Invitae), Labcorp
Classification: Uncertain significance for Hereditary nonpolyposis colorectal neoplasms. Last evaluated: 2023-04-20. Review status: criteria provided, single submitter. Criteria: Invitae Variant Classification Sherloc (09022015). Collection method: clinical testing. Allele origin: germline.
Comment: In summary, the available evidence is currently insufficient to determine the role of this variant in disease. Therefore, it has been classified as a Variant of Uncertain Significance. Advanced modeling of protein sequence and biophysical properties (such as structural, functional, and spatial information, amino acid conservation, physicochemical variation, residue mobility, and thermodynamic stability) performed at Invitae indicates that this missense variant is not expected to disrupt MSH6 protein function. This variant has not been reported in the literature in individuals affected with MSH6-related conditions. This variant is not present in population databases (gnomAD no frequency). This sequence change replaces valine, which is neutral and non-polar, with aspartic acid, which is acidic and polar, at codon 364 of the MSH6 protein (p.Val364Asp).

NM_000179.3(MSH6):c.1091T>A (p.Val364Asp)

Gene: MSH6 (mutS homolog 6; plus strand). Cytogenetic location: 2p16.3.
Variant type: single nucleotide variant.
Coding change: c.1091T>A on transcript NM_000179.3 (MANE Select); coding-DNA position 1091, T replaced by A.
Protein change: p.Val364Asp; replaces valine 364 with aspartic acid.
Molecular consequence: missense variant. On other transcripts: non-coding transcript variant (4), intron variant (1).
Genome position (GRCh38, 1-based): chr2:47,799,074, T>A. VCF-style: chr2-47799074-T-A. GRCh37 (hg19) VCF-style: chr2-48026213-T-A.
Other names: c.1013T>A, p.Val338Asp (NM_001406804.1); c.794T>A, p.Val265Asp (NM_001406805.1, NM_001406797.1, NM_001406801.1 and 10 more transcripts); c.566T>A, p.Val189Asp (NM_001406806.1, NM_001406807.1, NM_001406799.1); c.1091T>A, p.Val364Asp (NM_001406808.1, NM_001406809.1, NM_001406796.1 and 4 more transcripts); c.185T>A, p.Val62Asp (NM_001406811.1, NM_001406812.1, NM_001406814.1 and 6 more transcripts); c.1097T>A, p.Val366Asp (NM_001406813.1); c.701T>A, p.Val234Asp (NM_001281492.2); c.1187T>A, p.Val396Asp (NM_001406795.1, NM_001406802.1); and 2 more; short protein forms V308D, V338D, V62D, V234D, V189D, V265D, V364D, V366D.
Identifiers: ClinVar variation 2977889 (VCV002977889.3), dbSNP rs2104319027, ClinGen allele CA346741854.